The following is an entry in ClinVar:

NM_003024.3(ITSN1):c.1374A>G (p.Leu458=)

Gene: ITSN1 (intersectin 1; plus strand). Cytogenetic location: 21q22.11.
Variant type: single nucleotide variant.
Coding change: c.1374A>G on transcript NM_003024.3 (MANE Select); coding-DNA position 1374, A replaced by G.
Protein change: p.Leu458=; no amino-acid change (leucine 458 retained).
Molecular consequence: synonymous variant.
Genome position (GRCh38, 1-based): chr21:33,774,797, A>G. VCF-style: chr21-33774797-A-G. GRCh37 (hg19) VCF-style: chr21-35147101-A-G.
Other names: c.1374A>G, p.Leu458= (NM_001001132.2, NM_001331008.2, NM_001331009.2 and 2 more transcripts); c.1263A>G, p.Leu421= (NM_001331012.2).
Identifiers: ClinVar variation 3031928 (VCV003031928.2), dbSNP rs750751221, ClinGen allele CA10011546.

ClinVar aggregate classification (germline): Likely benign (0 of 4 stars; one submission).

Conditions:
ITSN1-related disorder. Also called: ITSN1-related condition.

Allele frequency attached by ClinVar (database versions not stated): gnomAD 0.00001; TOPMed 0.00002; ExAC 0.00003.
gnomAD v4.1: 21 of 1,613,964 alleles (0.0013%); highest among the groups gnomAD compares: South Asian, 0.0088%; 1 homozygote.

Submission:

PreventionGenetics, part of Exact Sciences
Classification: Likely benign for ITSN1-related condition. Last evaluated: 2022-05-19. Review status: no assertion criteria provided. Collection method: clinical testing. Allele origin: germline.
Comment: This variant is classified as likely benign based on ACMG/AMP sequence variant interpretation guidelines (Richards et al. 2015 PMID: 25741868, with internal and published modifications).